The following is an entry in ClinVar:

NM_000016.6(ACADM):c.609A>C (p.Leu203Phe)

Gene: ACADM (acyl-CoA dehydrogenase medium chain; plus strand). Cytogenetic location: 1p31.1.
Variant type: single nucleotide variant.
Coding change: c.609A>C on transcript NM_000016.6 (MANE Select); coding-DNA position 609, A replaced by C.
Protein change: p.Leu203Phe; replaces leucine 203 with phenylalanine.
Molecular consequence: missense variant.
Genome position (GRCh38, 1-based): chr1:75,745,815, A>C. VCF-style: chr1-75745815-A-C. GRCh37 (hg19) VCF-style: chr1-76211500-A-C.
Other names: c.621A>C, p.Leu207Phe (NM_001127328.3); c.501A>C, p.Leu167Phe (NM_001286042.2); c.708A>C, p.Leu236Phe (NM_001286043.2); c.42A>C, p.Leu14Phe (NM_001286044.2); short protein forms L203F, L207F, L14F, L236F, L167F.
Identifiers: ClinVar variation 226065 (VCV000226065.18), dbSNP rs751829413, ClinGen allele CA10576236.

ClinVar aggregate classification (germline): Pathogenic/Likely pathogenic. Review status: criteria provided, multiple submitters, no conflicts (2 of 4 stars). 5 submissions from 5 submitters: Pathogenic (3); Likely pathogenic (2). Last evaluated 2025-09-30.

Conditions:
Medium-chain acyl-coenzyme A dehydrogenase deficiency (ACADMD). Also called: ACADM DEFICIENCY; MCAD Deficiency; MCADD; CARNITINE DEFICIENCY SECONDARY TO MEDIUM-CHAIN ACYL-CoA DEHYDROGENASE DEFICIENCY; MCADH DEFICIENCY; Medium chain acyl-CoA dehydrogenase deficiency. Identifiers: Orphanet 42, MedGen C0220710, MONDO:0008721, OMIM 201450.

Allele frequency attached by ClinVar (database versions not stated): gnomAD exomes 0.00001; gnomAD 0.00001.
gnomAD v4.1: 6 of 1,612,920 alleles (0.00037%); highest among the groups gnomAD compares: Admixed American, 0.0033%; no homozygotes.

Submissions (5):

Natera, Inc.
Classification: Likely pathogenic for Medium Chain Acyl-CoA Dehydrogenase Deficiency. Last evaluated: 2025-09-30. Review status: criteria provided, single submitter. Criteria: Natera Variant Classification Schema (03/2026). Collection method: clinical testing. Allele origin: germline.
Comment: The c.609A>C variant in ACADM is a missense variant predicted to cause substitution of leucine to phenylalanine at amino acid 203. This variant is rare in the general population with a frequency below the threshold expected for the associated phenotype(s). This variant has been observed in one or more individuals affected with the associated recessive disease, as either homozygous or compound heterozygous with a second variant (PMID: 31012112, 35281663). This variant has been identified in one or more affected individuals with a phenotype highly consistent with the associated gene (PMID: 31012112). Computational prediction algorithms indicate this variant is likely to affect gene or protein function. Given the available evidence, this variant is classified as Likely Pathogenic.

Labcorp Genetics (formerly Invitae), Labcorp
Classification: Pathogenic for Medium-chain acyl-coenzyme A dehydrogenase deficiency. Last evaluated: 2023-12-06. Review status: criteria provided, single submitter. Criteria: Invitae Variant Classification Sherloc (09022015). Collection method: clinical testing. Allele origin: germline.
Comment: This sequence change replaces leucine, which is neutral and non-polar, with phenylalanine, which is neutral and non-polar, at codon 203 of the ACADM protein (p.Leu203Phe). This variant is present in population databases (rs751829413, gnomAD 0.006%). This missense change has been observed in individual(s) with clinical features of medium-chain acyl-coenzyme A dehydrogenase deficiency (PMID: 16972171, 31012112; Invitae). In at least one individual the data is consistent with being in trans (on the opposite chromosome) from a pathogenic variant. ClinVar contains an entry for this variant (Variation ID: 226065). Advanced modeling of protein sequence and biophysical properties (such as structural, functional, and spatial information, amino acid conservation, physicochemical variation, residue mobility, and thermodynamic stability) performed at Invitae indicates that this missense variant is not expected to disrupt ACADM protein function with a negative predictive value of 80%. For these reasons, this variant has been classified as Pathogenic.

Baylor Genetics
Classification: Likely pathogenic for Medium-chain acyl-coenzyme A dehydrogenase deficiency. Last evaluated: 2023-09-05. Review status: criteria provided, single submitter. Criteria: ACMG Guidelines, 2015. Collection method: clinical testing. Allele origin: unknown.

ARUP Laboratories, Molecular Genetics and Genomics, ARUP Laboratories
Classification: Pathogenic for Medium-chain acyl-coenzyme A dehydrogenase deficiency. Last evaluated: 2015-02-20. Review status: criteria provided, single submitter. Criteria: ACMG Guidelines, 2015. Collection method: clinical testing. Allele origin: germline. Inheritance: Autosomal recessive inheritance. Observed: 1 heterozygote.
Comment: pathogenic but mild form of disease

Clinical Genetics Service, Universitary Hospital 12 de Octubre
Classification: Pathogenic for Medium-chain acyl-coenzyme A dehydrogenase deficiency. Review status: criteria provided, single submitter. Criteria: ACMG Guidelines, 2015. Collection method: clinical testing. Allele origin: maternal. Affected: yes.

Literature cited by the submitters: PubMed 31012112 (cited by Natera, Inc. and Labcorp Genetics (formerly Invitae), Labcorp); PubMed 35281663 (cited by Natera, Inc.); PubMed 16972171 (cited by Labcorp Genetics (formerly Invitae), Labcorp).